The following is an entry in ClinVar:

NM_001363118.2(SLC52A2):c.902C>T (p.Ser301Phe)

Gene: SLC52A2 (solute carrier family 52 member 2; plus strand). Cytogenetic location: 8q24.3.
Variant type: single nucleotide variant.
Coding change: c.902C>T on transcript NM_001363118.2 (MANE Select); coding-DNA position 902, C replaced by T.
Protein change: p.Ser301Phe; replaces serine 301 with phenylalanine.
Molecular consequence: missense variant. On other transcripts: non-coding transcript variant (1).
Genome position (GRCh38, 1-based): chr8:144,360,394, C>T. VCF-style: chr8-144360394-C-T. GRCh37 (hg19) VCF-style: chr8-145584054-C-T.
Other names: c.902C>T, p.Ser301Phe (NM_001253815.2, NM_001253816.2, NM_001363120.2 and 2 more transcripts); c.410C>T, p.Ser137Phe (NM_001363122.2); c.638C>T, p.Ser213Phe (NM_001410949.1); short protein forms S137F, S301F, S213F.
Identifiers: ClinVar variation 2088913 (VCV002088913.4), dbSNP rs1554854285, ClinGen allele CA372628285.

ClinVar aggregate classification (germline): Uncertain significance (1 of 4 stars; one submission).

Conditions:
Brown-Vialetto-van Laere syndrome 2. Also called: SPINOCEREBELLAR ATAXIA WITH BLINDNESS AND DEAFNESS 2; Riboflavin transporter deficiency type 2. Identifiers: Orphanet 572543, Orphanet 97229, MedGen C3553538, MONDO:0013867, OMIM 614707.

Allele frequency attached by ClinVar (database versions not stated): gnomAD exomes below 0.00001.

Submission:

Labcorp Genetics (formerly Invitae), Labcorp
Classification: Uncertain significance for Brown-Vialetto-van Laere syndrome 2. Last evaluated: 2022-01-21. Review status: criteria provided, single submitter. Criteria: Invitae Variant Classification Sherloc (09022015). Collection method: clinical testing. Allele origin: germline.
Comment: In summary, the available evidence is currently insufficient to determine the role of this variant in disease. Therefore, it has been classified as a Variant of Uncertain Significance. Advanced modeling of protein sequence and biophysical properties (such as structural, functional, and spatial information, amino acid conservation, physicochemical variation, residue mobility, and thermodynamic stability) performed at Invitae indicates that this missense variant is expected to disrupt SLC52A2 protein function. This variant has not been reported in the literature in individuals affected with SLC52A2-related conditions. This variant is not present in population databases (gnomAD no frequency). This sequence change replaces serine, which is neutral and polar, with phenylalanine, which is neutral and non-polar, at codon 301 of the SLC52A2 protein (p.Ser301Phe).